The following is an entry in ClinVar:

NM_001768.7(CD8A):c.173T>A (p.Phe58Tyr)

Gene: CD8A (CD8 subunit alpha; minus strand). Cytogenetic location: 2p11.2.
Variant type: single nucleotide variant.
Coding change: c.173T>A on transcript NM_001768.7 (MANE Select); coding-DNA position 173, T replaced by A.
Protein change: p.Phe58Tyr; replaces phenylalanine 58 with tyrosine.
Molecular consequence: missense variant. On other transcripts: non-coding transcript variant (3).
Genome position (GRCh38, 1-based): chr2:86,790,558, A>T on the plus strand (T>A on the coding strand, the complement: CD8A is on the minus strand). VCF-style: chr2-86790558-A-T. GRCh37 (hg19) VCF-style: chr2-87017681-A-T.
Other names: c.173T>A, p.Phe58Tyr (NM_001145873.1, NM_001382698.1, NM_171827.4); short protein forms F58Y.
Identifiers: ClinVar variation 1923068 (VCV001923068.3), dbSNP rs934042284, ClinGen allele CA51408180.
Genomic context (GRCh38, chr2:86,790,558, plus strand): 5'-GGCTTGTTTTGGGAGAGGTATAGGAGGAAGGTGGGACTGGCGGCGGCGCCGCGCGGCTGG[A>T]AGAGCCACGAGCAGCCCGACGTCGGGTTGGACAGCAGCACCTGGCACTTCAGCTCCACTG-3'
Protein context (NP_001759.3, residues 48-68): SNPTSGCSWL[Phe58Tyr]QPRGAAASPT

ClinVar aggregate classification (germline): Uncertain significance (1 of 4 stars; one submission).

Conditions:
Susceptibility to respiratory infections associated with CD8alpha chain mutation (IMD116). Also called: IMMUNODEFICIENCY 116; Cd8 deficiency, familial. Identifiers: Orphanet 169085, MedGen C1837065, MONDO:0012161, OMIM 608957.

Allele frequency attached by ClinVar (database versions not stated): gnomAD 0.00001; gnomAD exomes 0.00002; TOPMed 0.00002.
gnomAD v4.1: 28 of 1,613,066 alleles (0.0017%); highest among the groups gnomAD compares: Non-Finnish European, 0.0023%; no homozygotes.

Submission:

Labcorp Genetics (formerly Invitae), Labcorp
Classification: Uncertain significance for Susceptibility to respiratory infections associated with CD8alpha chain mutation. Last evaluated: 2022-06-10. Review status: criteria provided, single submitter. Criteria: Invitae Variant Classification Sherloc (09022015). Collection method: clinical testing. Allele origin: germline.
Comment: In summary, the available evidence is currently insufficient to determine the role of this variant in disease. Therefore, it has been classified as a Variant of Uncertain Significance. Algorithms developed to predict the effect of missense changes on protein structure and function output the following: SIFT: "Tolerated"; PolyPhen-2: "Benign"; Align-GVGD: "Class C0". The tyrosine amino acid residue is found in multiple mammalian species, which suggests that this missense change does not adversely affect protein function. This variant has not been reported in the literature in individuals affected with CD8A-related conditions. This variant is present in population databases (no rsID available, gnomAD 0.002%). This sequence change replaces phenylalanine, which is neutral and non-polar, with tyrosine, which is neutral and polar, at codon 58 of the CD8A protein (p.Phe58Tyr).